The following is an entry in ClinVar:

ClinVar aggregate classification (germline): Benign (1 of 4 stars; one submission).

Allele frequency attached by ClinVar (database versions not stated): gnomAD 0.43764 and 0.43881; TOPMed 0.46361; 1000 Genomes Project 0.52676; 1000 Genomes Project 30x 0.52764.
gnomAD v4.1: 66,293 of 152,034 alleles (44%); highest among the groups gnomAD compares: African/African-American, 70%; 16,951 homozygotes.

Submission:

GeneDx
Classification: Benign. Last evaluated: 2018-06-14. Review status: criteria provided, single submitter. Criteria: GeneDx Variant Classification (06012015). Collection method: clinical testing. Allele origin: germline. Affected: yes.
Comment: This variant is considered likely benign or benign based on one or more of the following criteria: it is a conservative change, it occurs at a poorly conserved position in the protein, it is predicted to be benign by multiple in silico algorithms, and/or has population frequency not consistent with disease.

NM_014049.5(ACAD9):c.1278+226C>T

Gene: ACAD9 (acyl-CoA dehydrogenase family member 9; plus strand). Cytogenetic location: 3q21.3.
Variant type: single nucleotide variant.
Coding change: c.1278+226C>T on transcript NM_014049.5 (MANE Select); 226 bases into the intron after coding-DNA position 1278, C replaced by T.
Molecular consequence: intron variant.
Genome position (GRCh38, 1-based): chr3:128,906,475, C>T. VCF-style: chr3-128906475-C-T. GRCh37 (hg19) VCF-style: chr3-128625318-C-T.
Identifiers: ClinVar variation 677924 (VCV000677924.1), dbSNP rs1680788, ClinGen allele CA11482403.
Genomic context (GRCh38, chr3:128,906,475, plus strand): 5'-TGAAGTCACAAGCCTGAGGAGTCAGTTCAGTTAGCATGTGCCAGGTGGCAGGGGAGGGAA[C>T]TGGGGCCACAGAGATGACTTCGGATGCTGTGTTCTGATTGTGCAGCAGGGCCGACCAAGG-3'